The following is an entry in ClinVar:

NM_004387.4(NKX2-5):c.335-307T>A

Gene: NKX2-5 (NK2 homeobox 5; minus strand). Cytogenetic location: 5q35.1.
Variant type: single nucleotide variant.
Coding change: c.335-307T>A on transcript NM_004387.4 (MANE Select); 307 bases into the intron before coding-DNA position 335, T replaced by A.
Molecular consequence: intron variant.
Genome position (GRCh38, 1-based): chr5:173,233,516, A>T on the plus strand (T>A on the coding strand, the complement: NKX2-5 is on the minus strand). VCF-style: chr5-173233516-A-T. GRCh37 (hg19) VCF-style: chr5-172660519-A-T.
Other names: c.335-52T>A (NM_001166176.2); c.335-15T>A (NM_001166175.2).
Identifiers: ClinVar variation 138524 (VCV000138524.1), dbSNP rs536213285, ClinGen allele CA292545.

ClinVar aggregate classification (germline): Benign (1 of 4 stars; one submission).

Allele frequency attached by ClinVar (database versions not stated): ExAC 0.00203; gnomAD exomes 0.00212 and 0.00377; gnomAD 0.01282 and 0.01380; 1000 Genomes Project 0.01358.
gnomAD v4.1: 3,304 of 819,178 alleles (0.4%); highest among the groups gnomAD compares: African/African-American, 4.3%; 118 homozygotes.

Submission:

GeneDx
Classification: Benign. Last evaluated: 2013-05-23. Review status: criteria provided, single submitter. Criteria: GeneDx Variant Classification (06012015). Collection method: clinical testing. Allele origin: germline. Affected: yes.
Comment: This variant is considered likely benign or benign based on one or more of the following criteria: it is a conservative change, it occurs at a poorly conserved position in the protein, it is predicted to be benign by multiple in silico algorithms, and/or has population frequency not consistent with disease.